The following is an entry in ClinVar:

ClinVar aggregate classification (germline): Uncertain significance (1 of 4 stars; one submission).

Conditions:
Acromesomelic dysplasia 1, Maroteaux type (AMD1). Also called: ST. HELENA DYSPLASIA; ACROMESOMELIC DYSPLASIA 1. Identifiers: Orphanet 40, MedGen C1864356, MONDO:0011275, OMIM 602875.
Tall stature-scoliosis-macrodactyly of the great toes syndrome. Also called: Epiphyseal chondrodysplasia, miura type. Identifiers: Orphanet 329191, MedGen C4014690, MONDO:0014401, OMIM 615923.

Allele frequency attached by ClinVar (database versions not stated): ExAC 0.00001; gnomAD 0.00003; gnomAD exomes 0.00003; TOPMed 0.00003; ESP Exome Variant Server 0.00008.
gnomAD v4.1: 48 of 1,614,102 alleles (0.003%); highest among the groups gnomAD compares: Non-Finnish European, 0.0041%; no homozygotes.

Submission:

Labcorp Genetics (formerly Invitae), Labcorp
Classification: Uncertain significance for Tall stature-scoliosis-macrodactyly of the great toes syndrome; Acromesomelic dysplasia 1, Maroteaux type. Last evaluated: 2026-01-08. Review status: criteria provided, single submitter. Criteria: Invitae Variant Classification Sherloc (09022015). Collection method: clinical testing. Allele origin: germline.
Comment: This sequence change replaces arginine, which is basic and polar, with glutamine, which is neutral and polar, at codon 767 of the NPR2 protein (p.Arg767Gln). This variant is present in population databases (rs375273933, gnomAD 0.003%). This variant has not been reported in the literature in individuals affected with NPR2-related conditions. ClinVar contains an entry for this variant (Variation ID: 2055777). Invitae Evidence Modeling of protein sequence and biophysical properties (such as structural, functional, and spatial information, amino acid conservation, physicochemical variation, residue mobility, and thermodynamic stability) indicates that this missense variant is not expected to disrupt NPR2 protein function with a negative predictive value of 80%. In summary, the available evidence is currently insufficient to determine the role of this variant in disease. Therefore, it has been classified as a Variant of Uncertain Significance.

NM_003995.4(NPR2):c.2300G>A (p.Arg767Gln)

Gene: NPR2 (natriuretic peptide receptor 2; plus strand). Cytogenetic location: 9p13.3.
Variant type: single nucleotide variant.
Coding change: c.2300G>A on transcript NM_003995.4 (MANE Select); coding-DNA position 2300, G replaced by A.
Protein change: p.Arg767Gln; replaces arginine 767 with glutamine.
Molecular consequence: missense variant.
Genome position (GRCh38, 1-based): chr9:35,806,161, G>A. VCF-style: chr9-35806161-G-A. GRCh37 (hg19) VCF-style: chr9-35806158-G-A.
Other names: c.2309G>A, p.Arg770Gln (NM_001378923.1); short protein forms R770Q, R767Q.
Identifiers: ClinVar variation 2055777 (VCV002055777.4), dbSNP rs375273933, ClinGen allele CA5051933.